The following is an entry in ClinVar:

GRCh38/hg38 14q32.2-32.33(chr14:100309382-106855263)x1

Genes: BAG5 (BAG cochaperone 5; minus strand), ADSS1 (adenylosuccinate synthase 1; plus strand), AHNAK2 (AHNAK nucleoprotein 2; minus strand), AKT1 (AKT serine/threonine kinase 1; minus strand), AMN (amnion associated transmembrane protein; plus strand) and 579 more. Cytogenetic location: 14q32.2-32.33.
Variant type: copy number loss.
Change: copy number 1 (one copy instead of two) of chr14:100,309,382-106,855,263 (6.55 Mb, GRCh38 coordinates, 1-based), cytogenetic band 14q32.2-32.33.
Identifiers: ClinVar variation 57267 (VCV000057267.1).

ClinVar aggregate classification (germline): Pathogenic (1 of 4 stars; one submission).

Submission:

ISCA site 4
Classification: Pathogenic. Last evaluated: 2011-08-12. Review status: criteria provided, single submitter. Criteria: Kaminsky et al. (Genet Med. 2011). Collection method: clinical testing. Allele origin: unknown. Affected: yes. Observed: 1 variant allele.
Comment: Copy number variation identified through the course of routine clinical cytogenomic testing in postnatal populations. Clinical assertions have been curated as described in Kaminsky et al. 2011.